The following is an entry in ClinVar:

NM_052947.4(ALPK2):c.6355C>T (p.His2119Tyr)

Gene: ALPK2 (alpha kinase 2; minus strand). Cytogenetic location: 18q21.31.
Variant type: single nucleotide variant.
Coding change: c.6355C>T on transcript NM_052947.4 (MANE Select); coding-DNA position 6355, C replaced by T.
Protein change: p.His2119Tyr; replaces histidine 2119 with tyrosine.
Molecular consequence: missense variant.
Genome position (GRCh38, 1-based): chr18:58,481,981, G>A on the plus strand (C>T on the coding strand, the complement: ALPK2 is on the minus strand). VCF-style: chr18-58481981-G-A. GRCh37 (hg19) VCF-style: chr18-56149213-G-A.
Other names: short protein forms H2119Y.
Identifiers: ClinVar variation 2449187 (VCV002449187.3), dbSNP rs763258504, ClinGen allele CA8976165.
Genomic context (GRCh38, chr18:58,481,981, plus strand): 5'-TCTGGTTGTTGTTTTGAAGGGATTTCAGTCCCAGCATTTTGCAATACTTGTTACACTGGT[G>A]TAGTGCTTTAAACTGATCAATGAAGGTCATGGAACAGTTGCCTTTAAATCCCTTGTACCT-3'
Protein context (NP_443179.3, residues 2109-2129): MTFIDQFKAL[His2119Tyr]QCNKYCKMLG

ClinVar aggregate classification (germline): Uncertain significance (1 of 4 stars; one submission).

Allele frequency attached by ClinVar (database versions not stated): gnomAD exomes below 0.00001; TOPMed below 0.00001; ExAC 0.00001.
gnomAD v4.1: 3 of 1,614,160 alleles (0.00019%); highest among the groups gnomAD compares: Non-Finnish European, 0.00025%; no homozygotes.

Submission:

Ambry Genetics
Classification: Uncertain significance. Last evaluated: 2024-11-11. Review status: criteria provided, single submitter. Criteria: Ambry Variant Classification Scheme 2023. Collection method: clinical testing. Allele origin: germline.
Comment: The p.H2119Y variant (also known as c.6355C>T), located in coding exon 12 of the ALPK2 gene, results from a C to T substitution at nucleotide position 6355. The histidine at codon 2119 is replaced by tyrosine, an amino acid with similar properties. This amino acid position is conserved. In addition, the in silico prediction for this alteration is inconclusive. Since supporting evidence is limited at this time, the clinical significance of this alteration remains unclear.